The following is an entry in ClinVar:

ClinVar aggregate classification (germline): Uncertain significance (1 of 4 stars; one submission).

Submission:

Labcorp Genetics (formerly Invitae), Labcorp
Classification: Uncertain significance. Last evaluated: 2024-03-07. Review status: criteria provided, single submitter. Criteria: Invitae Variant Classification Sherloc (09022015). Collection method: clinical testing. Allele origin: germline.
Comment: This sequence change falls in intron 4 of the CACNA2D4 gene. It does not directly change the encoded amino acid sequence of the CACNA2D4 protein. It affects a nucleotide within the consensus splice site. This variant is not present in population databases (gnomAD no frequency). This variant has not been reported in the literature in individuals affected with CACNA2D4-related conditions. ClinVar contains an entry for this variant (Variation ID: 1422162). Variants that disrupt the consensus splice site are a relatively common cause of aberrant splicing (PMID: 17576681, 9536098). Algorithms developed to predict the effect of sequence changes on RNA splicing suggest that this variant may disrupt the consensus splice site. In summary, the available evidence is currently insufficient to determine the role of this variant in disease. Therefore, it has been classified as a Variant of Uncertain Significance.

Literature cited by the submitters: PubMed 17576681; PubMed 9536098.

NM_172364.5(CACNA2D4):c.486+6T>C

Gene: CACNA2D4 (calcium voltage-gated channel auxiliary subunit alpha2delta 4; minus strand). Cytogenetic location: 12p13.33.
Variant type: single nucleotide variant.
Coding change: c.486+6T>C on transcript NM_172364.5 (MANE Select); 6 bases into the intron after coding-DNA position 486, T replaced by C.
Molecular consequence: intron variant.
Genome position (GRCh38, 1-based): chr12:1,909,900, A>G on the plus strand (T>C on the coding strand, the complement: CACNA2D4 is on the minus strand). VCF-style: chr12-1909900-A-G. GRCh37 (hg19) VCF-style: chr12-2019066-A-G.
Identifiers: ClinVar variation 1422162 (VCV001422162.6), dbSNP rs1866772901, ClinGen allele CA2012212580.